The following is an entry in ClinVar:

ClinVar aggregate classification (germline): Uncertain significance. Review status: criteria provided, multiple submitters, no conflicts (2 of 4 stars). 2 submissions from 2 submitters: Uncertain significance (2). Last evaluated 2025-03-05.

Conditions:
Inborn genetic diseases. Identifiers: MedGen C0950123, MeSH D030342.

Allele frequency attached by ClinVar (database versions not stated): TOPMed 0.00001.
gnomAD v4.1: 3 of 1,614,102 alleles (0.00019%); highest among the groups gnomAD compares: Admixed American, 0.005%; no homozygotes.

Submissions (2):

Ambry Genetics
Classification: Uncertain significance for Inborn genetic diseases. Last evaluated: 2025-03-05. Review status: criteria provided, single submitter. Criteria: Ambry Variant Classification Scheme 2023. Collection method: clinical testing. Allele origin: germline.

Labcorp Genetics (formerly Invitae), Labcorp
Classification: Uncertain significance. Last evaluated: 2021-09-18. Review status: criteria provided, single submitter. Criteria: Invitae Variant Classification Sherloc (09022015). Collection method: clinical testing. Allele origin: germline.
Comment: This missense change has been observed in individual(s) with clinical features of retinitis pigmentosa (Invitae). This variant is not present in population databases (ExAC no frequency). This sequence change replaces methionine with isoleucine at codon 525 of the VCAN protein (p.Met525Ile). The methionine residue is moderately conserved and there is a small physicochemical difference between methionine and isoleucine. ClinVar contains an entry for this variant (Variation ID: 863937). In summary, the available evidence is currently insufficient to determine the role of this variant in disease. Therefore, it has been classified as a Variant of Uncertain Significance. Algorithms developed to predict the effect of missense changes on protein structure and function output the following: SIFT: "Tolerated"; PolyPhen-2: "Benign"; Align-GVGD: "Class C0". The isoleucine amino acid residue is found in multiple mammalian species, which suggests that this missense change does not adversely affect protein function.

NM_004385.5(VCAN):c.1575G>T (p.Met525Ile)

Gene: VCAN (versican; plus strand). Cytogenetic location: 5q14.3.
Variant type: single nucleotide variant.
Coding change: c.1575G>T on transcript NM_004385.5 (MANE Select); coding-DNA position 1575, G replaced by T.
Protein change: p.Met525Ile; replaces methionine 525 with isoleucine.
Molecular consequence: missense variant. On other transcripts: intron variant (2).
Genome position (GRCh38, 1-based): chr5:83,519,881, G>T. VCF-style: chr5-83519881-G-T. GRCh37 (hg19) VCF-style: chr5-82815700-G-T.
Other names: c.1575G>T, p.Met525Ile (NM_001164098.2); c.1042+7485G>T (NM_001164097.2, NM_001126336.3); short protein forms M525I.
Identifiers: ClinVar variation 863937 (VCV000863937.8), dbSNP rs146518697, ClinGen allele CA121791186.
Genomic context (GRCh38, chr5:83,519,881, plus strand): 5'-AAAGCACATTCCTTCCAAGGAATTCCCTGTAACTGAAACACCATTGGTAACTGCAAGAAT[G>T]ATCCTGGAATCCAAAACTGAAAAGAAAATGGTAAGCACTGTTTCTGAATTGGTAACCACA-3'
Protein context (NP_004376.2, residues 515-535): VTETPLVTAR[Met525Ile]ILESKTEKKM